The following is an entry in ClinVar:

NM_002184.4(IL6ST):c.2020-8T>C

Gene: IL6ST (interleukin 6 cytokine family signal transducer; minus strand). Cytogenetic location: 5q11.2.
Variant type: single nucleotide variant.
Coding change: c.2020-8T>C on transcript NM_002184.4 (MANE Select); 8 bases into the intron before coding-DNA position 2020, T replaced by C.
Molecular consequence: intron variant.
Genome position (GRCh38, 1-based): chr5:55,941,827, A>G on the plus strand (T>C on the coding strand, the complement: IL6ST is on the minus strand). VCF-style: chr5-55941827-A-G. GRCh37 (hg19) VCF-style: chr5-55237655-A-G.
Other names: c.2020-8T>C (NM_002184.3); c.1810-8T>C (NM_001364276.2); c.1024-8T>C (NM_001364279.2); c.1117-8T>C (NM_001364278.2); c.1153-8T>C (NM_001364277.2); c.*947-8T>C (NM_175767.3); c.1837-8T>C (NM_001190981.2); c.1918-8T>C (NM_001364275.2).
Identifiers: ClinVar variation 1086757 (VCV001086757.19), dbSNP rs142901689, ClinGen allele CA3271213.

ClinVar aggregate classification (germline): Conflicting classifications of pathogenicity. Review status: criteria provided, conflicting classifications (1 of 4 stars). 4 submissions from 4 submitters: Uncertain significance (1); Likely benign (2). 1 of the submissions does not count toward it. Last evaluated 2026-01-19.

Conditions:
IL6ST-related disorder. Also called: IL6ST-related condition.

Allele frequency attached by ClinVar (database versions not stated): 1000 Genomes Project 30x 0.00031; 1000 Genomes Project 0.00040; gnomAD 0.00080 and 0.00083; TOPMed 0.00087; gnomAD exomes 0.00093; ESP Exome Variant Server 0.00108; ExAC 0.00109.
gnomAD v4.1: 1,460 of 1,599,506 alleles (0.091%); highest among the groups gnomAD compares: Middle Eastern, 0.77%; 2 homozygotes.

Submissions (4):

Labcorp Genetics (formerly Invitae), Labcorp
Classification: Likely benign. Last evaluated: 2026-01-19. Review status: criteria provided, single submitter. Criteria: Invitae Variant Classification Sherloc (09022015). Collection method: clinical testing. Allele origin: germline.

CeGaT Center for Human Genetics Tuebingen
Classification: Uncertain significance. Last evaluated: 2025-04-01. Review status: criteria provided, single submitter. Criteria: CeGaT Center For Human Genetics Tuebingen Variant Classification Criteria Version 2. Collection method: clinical testing. Allele origin: germline. Affected: yes. Observed: 1 variant allele.
Comment: IL6ST: PM2, BP4

Blueprint Genetics
Classification: Likely benign. Last evaluated: 2024-11-21. Review status: criteria provided, single submitter. Criteria: ACMG Guidelines, 2015. Collection method: clinical testing. Allele origin: germline.

PreventionGenetics, part of Exact Sciences
Classification: Likely benign for IL6ST-related condition. Last evaluated: 2022-02-26. Review status: no assertion criteria provided. Collection method: clinical testing. Allele origin: germline. Not counted in ClinVar's aggregate classification.
Comment: This variant is classified as likely benign based on ACMG/AMP sequence variant interpretation guidelines (Richards et al. 2015 PMID: 25741868, with internal and published modifications).